The following is an entry in ClinVar:

ClinVar aggregate classification (germline): Uncertain significance (1 of 4 stars; one submission).

gnomAD v4.1: 5 of 1,325,500 alleles (0.00038%); highest among the groups gnomAD compares: East Asian, 0.014%; no homozygotes.

Submission:

Labcorp Genetics (formerly Invitae), Labcorp
Classification: Uncertain significance. Last evaluated: 2025-01-01. Review status: criteria provided, single submitter. Criteria: Invitae Variant Classification Sherloc (09022015). Collection method: clinical testing. Allele origin: germline.
Comment: This sequence change replaces arginine, which is basic and polar, with cysteine, which is neutral and slightly polar, at codon 14 of the COL18A1 protein (p.Arg14Cys). This variant is not present in population databases (gnomAD no frequency). This variant has not been reported in the literature in individuals affected with COL18A1-related conditions. ClinVar contains an entry for this variant (Variation ID: 1479081). Experimental studies and prediction algorithms are not available or were not evaluated, and the functional significance of this variant is currently unknown. In summary, the available evidence is currently insufficient to determine the role of this variant in disease. Therefore, it has been classified as a Variant of Uncertain Significance.

NM_001379500.1(COL18A1):c.40C>T (p.Arg14Cys)

Genes: BNAT1 (breast cancer associated ESR1 regulating natural antisense transcript 1; minus strand), COL18A1 (collagen type XVIII alpha 1 chain; plus strand). Cytogenetic location: 21q22.3.
Variant type: single nucleotide variant.
Coding change: c.40C>T on transcript NM_001379500.1 (MANE Select); coding-DNA position 40, C replaced by T.
Protein change: p.Arg14Cys; replaces arginine 14 with cysteine.
Molecular consequence: missense variant.
Genome position (GRCh38, 1-based): chr21:45,405,407, C>T. VCF-style: chr21-45405407-C-T. GRCh37 (hg19) VCF-style: chr21-46825322-C-T.
Other names: short protein forms R14C.
Identifiers: ClinVar variation 1479081 (VCV001479081.5), dbSNP rs1286802468, ClinGen allele CA410620313.
Genomic context (GRCh38, chr21:45,405,407, plus strand): 5'-TGCGGGGTCTGACCCGTGCCTGTCCCGCGCAGGTGCCCCTGGCCATGGCCGCGGCGGCGG[C>T]GCCTCCTGGACGTGCTCGCGCCCCTGGTCCTGCTGCTCGGGGTCCGCGCGGCCTCCGCGG-3'
Protein context (NP_001366429.1, residues 4-24): RCPWPWPRRR[Arg14Cys]LLDVLAPLVL